The following is an entry in ClinVar:

ClinVar aggregate classification (germline): Pathogenic (1 of 4 stars; one submission).

Conditions:
Curry-Hall syndrome (WAD). Also called: WEYERS ACRODENTAL DYSOSTOSIS. Identifiers: Orphanet 952, MedGen C0457013, MONDO:0008673, OMIM 193530.
Ellis-van Creveld syndrome (EVC). Also called: EVC-Related Ellis-van Creveld Syndrome; EVC2-Related Ellis-van Creveld Syndrome; MESOECTODERMAL DYSPLASIA; Chondroectodermal dysplasia. Identifiers: Orphanet 289, MedGen C0013903, MONDO:0009162, OMIM 225500.

Submission:

Labcorp Genetics (formerly Invitae), Labcorp
Classification: Pathogenic for Curry-Hall syndrome; Ellis-van Creveld syndrome. Last evaluated: 2023-06-09. Review status: criteria provided, single submitter. Criteria: Invitae Variant Classification Sherloc (09022015). Collection method: clinical testing. Allele origin: germline.
Comment: For these reasons, this variant has been classified as Pathogenic. This variant has not been reported in the literature in individuals affected with EVC-related conditions. This variant is not present in population databases (gnomAD no frequency). This sequence change creates a premature translational stop signal (p.Lys412Glufs*65) in the EVC gene. It is expected to result in an absent or disrupted protein product. Loss-of-function variants in EVC are known to be pathogenic (PMID: 23220543).

Literature cited by the submitters: PubMed 23220543.

NM_153717.3(EVC):c.1233dup (p.Lys412fs)

Gene: EVC (EvC ciliary complex subunit 1; plus strand). Cytogenetic location: 4p16.2.
Variant type: Duplication.
Coding change: c.1233dup on transcript NM_153717.3 (MANE Select); coding-DNA position 1233, one base duplicated (G; older notation c.1233dupG).
Protein change: p.Lys412fs; shifts the reading frame from lysine 412.
Molecular consequence: frameshift variant.
Genome position (GRCh38, 1-based): chr4:5,752,970, G duplicated; the last of 4 consecutive G bases (chr4:5,752,967-5,752,970); duplicating any one gives the same sequence. VCF-style (leftmost placement, unchanged base first): chr4-5752966-A-AG. GRCh37 (hg19) VCF-style: chr4-5754693-A-AG.
Other names: c.1233dup, p.Lys412fs (NM_001306090.2, NM_001306092.2); short protein forms K412fs.
Identifiers: ClinVar variation 2937776 (VCV002937776.3), dbSNP rs2475384000, ClinGen allele CA2740091175.